The following is an entry in ClinVar:

NM_007327.4(GRIN1):c.2365G>A (p.Asp789Asn)

Gene: GRIN1 (glutamate ionotropic receptor NMDA type subunit 1; plus strand). Cytogenetic location: 9q34.3.
Variant type: single nucleotide variant.
Coding change: c.2365G>A on transcript NM_007327.4 (MANE Select); coding-DNA position 2365, G replaced by A.
Protein change: p.Asp789Asn; replaces aspartic acid 789 with asparagine.
Molecular consequence: missense variant.
Genome position (GRCh38, 1-based): chr9:137,163,590, G>A. VCF-style: chr9-137163590-G-A. GRCh37 (hg19) VCF-style: chr9-140058042-G-A.
Other names: c.2365G>A, p.Asp789Asn (NM_000832.7, NM_021569.4); c.2428G>A, p.Asp810Asn (NM_001185090.2, NM_001185091.2); short protein forms D810N, D789N.
Identifiers: ClinVar variation 2910238 (VCV002910238.3), dbSNP rs2538647858, ClinGen allele CA375725244.

ClinVar aggregate classification (germline): Pathogenic (1 of 4 stars; one submission).

Conditions:
Neurodevelopmental disorder with or without hyperkinetic movements and seizures, autosomal dominant. Also called: Intellectual disability, autosomal dominant 8. Identifiers: MedGen C3280282, MONDO:0013655, OMIM 614254.

Submission:

Labcorp Genetics (formerly Invitae), Labcorp
Classification: Pathogenic for Neurodevelopmental disorder with or without hyperkinetic movements and seizures, autosomal dominant. Last evaluated: 2022-11-19. Review status: criteria provided, single submitter. Criteria: Invitae Variant Classification Sherloc (09022015). Collection method: clinical testing. Allele origin: germline.
Comment: For these reasons, this variant has been classified as Pathogenic. Experimental studies have shown that this missense change affects GRIN1 function (PMID: 29365063). Advanced modeling of protein sequence and biophysical properties (such as structural, functional, and spatial information, amino acid conservation, physicochemical variation, residue mobility, and thermodynamic stability) has been performed at Invitae for this missense variant, however the output from this modeling did not meet the statistical confidence thresholds required to predict the impact of this variant on GRIN1 protein function. This missense change has been observed in individual(s) with autosomal dominant GRIN1-related conditions (PMID: 29365063). In at least one individual the variant was observed to be de novo. This variant is not present in population databases (gnomAD no frequency). This sequence change replaces aspartic acid, which is acidic and polar, with asparagine, which is neutral and polar, at codon 789 of the GRIN1 protein (p.Asp789Asn).

Literature cited by the submitters: PubMed 29365063.